The following is an entry in ClinVar:

ClinVar aggregate classification (germline): Likely pathogenic (1 of 4 stars; one submission).

Conditions:
Immunodeficiency-centromeric instability-facial anomalies syndrome 2 (ICF2). Identifiers: Orphanet 2268, MedGen C3279748, MONDO:0013553, OMIM 614069.

Allele frequency attached by ClinVar (database versions not stated): gnomAD exomes below 0.00001; ExAC 0.00002.

Submission:

Labcorp Genetics (formerly Invitae), Labcorp
Classification: Likely pathogenic for Immunodeficiency-centromeric instability-facial anomalies syndrome 2. Last evaluated: 2026-01-04. Review status: criteria provided, single submitter. Criteria: Invitae Variant Classification Sherloc (09022015). Collection method: clinical testing. Allele origin: germline.
Comment: This sequence change affects an acceptor splice site in intron 5 of the ZBTB24 gene. It is expected to disrupt RNA splicing. Variants that disrupt the donor or acceptor splice site typically lead to a loss of protein function (PMID: 16199547), and loss-of-function variants in ZBTB24 are known to be pathogenic (PMID: 21596365). This variant is not present in population databases (gnomAD no frequency). This variant has not been reported in the literature in individuals affected with ZBTB24-related conditions. ClinVar contains an entry for this variant (Variation ID: 2163600). Algorithms developed to predict the effect of sequence changes on RNA splicing suggest that this variant may disrupt the consensus splice site. In summary, the currently available evidence indicates that the variant is pathogenic, but additional data are needed to prove that conclusively. Therefore, this variant has been classified as Likely Pathogenic.

Literature cited by the submitters: PubMed 16199547; PubMed 21596365.

NM_014797.3(ZBTB24):c.1289-2A>T

Gene: ZBTB24 (zinc finger and BTB domain containing 24; minus strand). Cytogenetic location: 6q21.
Variant type: single nucleotide variant.
Coding change: c.1289-2A>T on transcript NM_014797.3 (MANE Select); the canonical splice acceptor site of the intron before coding-DNA position 1289, A replaced by T.
Molecular consequence: splice acceptor variant.
Genome position (GRCh38, 1-based): chr6:109,467,736, T>A on the plus strand (A>T on the coding strand, the complement: ZBTB24 is on the minus strand). VCF-style: chr6-109467736-T-A. GRCh37 (hg19) VCF-style: chr6-109788939-T-A.
Identifiers: ClinVar variation 2163600 (VCV002163600.4), dbSNP rs750997585, ClinGen allele CA3954102.
Genomic context (GRCh38, chr6:109,467,736, plus strand): 5'-AAGAGAACTCTTTGCTGTGAAAGATTTGCCACAGATTTCACAAGTAAATGGCTTCTCACC[T>A]AAAAAAAACAAAAACAAAAACAAAAAACCCAAAACAAAAAAACATTTAACAATATACATT-3'